The following is an entry in ClinVar:

NM_001018115.3(FANCD2):c.3735G>A (p.Thr1245=)

Genes: FANCD2 (FA complementation group D2; plus strand), FANCD2OS (FANCD2 opposite strand; minus strand). Cytogenetic location: 3p25.3.
Variant type: single nucleotide variant.
Coding change: c.3735G>A on transcript NM_001018115.3 (MANE Select); coding-DNA position 3735, G replaced by A.
Protein change: p.Thr1245=; no amino-acid change (threonine 1245 retained).
Molecular consequence: synonymous variant. On other transcripts: intron variant (1).
Genome position (GRCh38, 1-based): chr3:10,090,343, G>A. VCF-style: chr3-10090343-G-A. GRCh37 (hg19) VCF-style: chr3-10132027-G-A.
Other names: c.3735G>A, p.Thr1245= (NM_001319984.2, NM_001374254.1, NM_033084.6); c.3624G>A, p.Thr1208= (NM_001374253.1); c.*44-8812C>T (NM_173472.2).
Identifiers: ClinVar variation 1137268 (VCV001137268.15), dbSNP rs750130327, ClinGen allele CA2250495.

ClinVar aggregate classification (germline): Likely benign. Review status: criteria provided, multiple submitters, no conflicts (2 of 4 stars). 2 submissions from 2 submitters: Likely benign (2). Last evaluated 2025-11-01.

Conditions:
Fanconi anemia (FA). Also called: Fanconi's anemia. Identifiers: Orphanet 84, MedGen C0015625, MeSH D005199, MONDO:0019391.

Allele frequency attached by ClinVar (database versions not stated): TOPMed 0.00007; gnomAD exomes 0.00003 and 0.00010; gnomAD 0.00004 and 0.00005; ExAC 0.00007.
gnomAD v4.1: 49 of 1,612,832 alleles (0.003%); highest among the groups gnomAD compares: Admixed American, 0.052%; no homozygotes.

Submissions (2):

CeGaT Center for Human Genetics Tuebingen
Classification: Likely benign. Last evaluated: 2025-11-01. Review status: criteria provided, single submitter. Criteria: CeGaT Center For Human Genetics Tuebingen Variant Classification Criteria Version 2. Collection method: clinical testing. Allele origin: germline. Affected: yes. Observed: 1 variant allele.
Comment: FANCD2: BP4, BP7

Labcorp Genetics (formerly Invitae), Labcorp
Classification: Likely benign for Fanconi anemia. Last evaluated: 2025-01-06. Review status: criteria provided, single submitter. Criteria: Invitae Variant Classification Sherloc (09022015). Collection method: clinical testing. Allele origin: germline.